The following is an entry in ClinVar:

ClinVar aggregate classification (germline): Uncertain significance. Review status: criteria provided, multiple submitters, no conflicts (2 of 4 stars). 2 submissions from 2 submitters: Uncertain significance (2). Last evaluated 2024-10-23.

Conditions:
Hereditary cancer-predisposing syndrome. Also called: Tumor predisposition; Hereditary neoplastic syndrome; Neoplastic Syndromes, Hereditary; Hereditary Cancer Syndrome. Identifiers: Orphanet 140162, MedGen C0027672, MeSH D009386, MONDO:0015356.
Neurofibromatosis, type 2 (SWNV). Also called: NF2-Related Schwannomatosis; BILATERAL ACOUSTIC NEUROFIBROMATOSIS; SCHWANNOMATOSIS, VESTIBULAR. Identifiers: Orphanet 637, MedGen C0027832, MONDO:0007039, OMIM 101000. Disease mechanism: loss of function.

Submissions (2):

Labcorp Genetics (formerly Invitae), Labcorp
Classification: Uncertain significance for Neurofibromatosis, type 2. Last evaluated: 2024-10-23. Review status: criteria provided, single submitter. Criteria: Invitae Variant Classification Sherloc (09022015). Collection method: clinical testing. Allele origin: germline.
Comment: This sequence change replaces threonine, which is neutral and polar, with isoleucine, which is neutral and non-polar, at codon 368 of the NF2 protein (p.Thr368Ile). This variant is not present in population databases (gnomAD no frequency). This variant has not been reported in the literature in individuals affected with NF2-related conditions. ClinVar contains an entry for this variant (Variation ID: 527710). Invitae Evidence Modeling of protein sequence and biophysical properties (such as structural, functional, and spatial information, amino acid conservation, physicochemical variation, residue mobility, and thermodynamic stability) indicates that this missense variant is not expected to disrupt NF2 protein function with a negative predictive value of 80%. In summary, the available evidence is currently insufficient to determine the role of this variant in disease. Therefore, it has been classified as a Variant of Uncertain Significance.

Ambry Genetics
Classification: Uncertain significance for Hereditary cancer-predisposing syndrome. Last evaluated: 2024-06-10. Review status: criteria provided, single submitter. Criteria: Ambry Variant Classification Scheme 2023. Collection method: clinical testing. Allele origin: germline.
Comment: The p.T368I variant (also known as c.1103C>T), located in coding exon 11 of the NF2 gene, results from a C to T substitution at nucleotide position 1103. The threonine at codon 368 is replaced by isoleucine, an amino acid with similar properties. This amino acid position is not well conserved in available vertebrate species. In addition, this alteration is predicted to be tolerated by in silico analysis. Based on the available evidence, the clinical significance of this variant remains unclear.

NM_000268.4(NF2):c.1103C>T (p.Thr368Ile)

Gene: NF2 (NF2, moesin-ezrin-radixin like (MERLIN) tumor suppressor; plus strand). Cytogenetic location: 22q12.2.
Variant type: single nucleotide variant.
Coding change: c.1103C>T on transcript NM_000268.4 (MANE Select); coding-DNA position 1103, C replaced by T.
Protein change: p.Thr368Ile; replaces threonine 368 with isoleucine.
Molecular consequence: missense variant. On other transcripts: non-coding transcript variant (1), intron variant (1).
Genome position (GRCh38, 1-based): chr22:29,671,929, C>T. VCF-style: chr22-29671929-C-T. GRCh37 (hg19) VCF-style: chr22-30067918-C-T.
Other names: c.1103C>T, p.Thr368Ile (NM_016418.5, NM_181825.3, NM_181832.3); c.977C>T, p.Thr326Ile (NM_181828.3); c.980C>T, p.Thr327Ile (NM_181829.3); c.854C>T, p.Thr285Ile (NM_181830.3, NM_181831.3); c.448-22823C>T (NM_181833.3); short protein forms T368I, T285I, T326I, T327I.
Identifiers: ClinVar variation 527710 (VCV000527710.12), dbSNP rs1556000214, ClinGen allele CA411147155.